The following is an entry in ClinVar:

NM_000038.6(APC):c.7568C>G (p.Ala2523Gly)

Gene: APC (APC regulator of Wnt signaling pathway; plus strand). Cytogenetic location: 5q22.2.
Variant type: single nucleotide variant.
Coding change: c.7568C>G on transcript NM_000038.6 (MANE Select); coding-DNA position 7568, C replaced by G.
Protein change: p.Ala2523Gly; replaces alanine 2523 with glycine.
Molecular consequence: missense variant.
Genome position (GRCh38, 1-based): chr5:112,843,162, C>G. VCF-style: chr5-112843162-C-G. GRCh37 (hg19) VCF-style: chr5-112178859-C-G.
Other names: c.7568C>G, p.Ala2523Gly (NM_001127510.3, NM_001354895.2); c.7514C>G, p.Ala2505Gly (NM_001127511.3); c.7622C>G, p.Ala2541Gly (NM_001354896.2); c.7598C>G, p.Ala2533Gly (NM_001354897.2); c.7493C>G, p.Ala2498Gly (NM_001354898.2); c.7484C>G, p.Ala2495Gly (NM_001354899.2); c.7445C>G, p.Ala2482Gly (NM_001354900.2); c.7391C>G, p.Ala2464Gly (NM_001354901.2); and 5 more; short protein forms A2240G, A2363G, A2397G, A2422G, A2432G, A2464G, A2482G, A2495G.
Identifiers: ClinVar variation 1318612 (VCV001318612.13), dbSNP rs2149989757, ClinGen allele CA16037780.
Genomic context (GRCh38, chr5:112,843,162, plus strand): 5'-GATGGCGAAAACTCCCACCTAATCTCAGTCCCACTATAGAGTATAATGATGGAAGACCAG[C>G]AAAGCGCCATGATATTGCACGGTCTCATTCTGAAAGTCCTTCTAGACTTCCAATCAATAG-3'
Protein context (NP_000029.2, residues 2513-2533): PTIEYNDGRP[Ala2523Gly]KRHDIARSHS

ClinVar aggregate classification (germline): Uncertain significance. Review status: criteria provided, multiple submitters, no conflicts (2 of 4 stars). 4 submissions from 4 submitters: Uncertain significance (4). Last evaluated 2025-07-05.

Conditions:
Hereditary cancer-predisposing syndrome. Also called: Hereditary neoplastic syndrome; Neoplastic Syndromes, Hereditary; Tumor predisposition; Hereditary Cancer Syndrome. Identifiers: Orphanet 140162, MedGen C0027672, MeSH D009386, MONDO:0015356.
Familial adenomatous polyposis 1 (FAP1). Also called: POLYPOSIS, ADENOMATOUS INTESTINAL; FAMILIAL ADENOMATOUS POLYPOSIS 1, ATTENUATED. Identifiers: MedGen C2713442, MONDO:0021056, OMIM 175100. Disease mechanism: loss of function.

Submissions (4):

Labcorp Genetics (formerly Invitae), Labcorp
Classification: Uncertain significance for Familial adenomatous polyposis 1. Last evaluated: 2025-07-05. Review status: criteria provided, single submitter. Criteria: Invitae Variant Classification Sherloc (09022015). Collection method: clinical testing. Allele origin: germline.
Comment: This sequence change replaces alanine, which is neutral and non-polar, with glycine, which is neutral and non-polar, at codon 2523 of the APC protein (p.Ala2523Gly). This variant is not present in population databases (gnomAD no frequency). This variant has not been reported in the literature in individuals affected with APC-related conditions. ClinVar contains an entry for this variant (Variation ID: 1318612). Invitae Evidence Modeling of protein sequence and biophysical properties (such as structural, functional, and spatial information, amino acid conservation, physicochemical variation, residue mobility, and thermodynamic stability) indicates that this missense variant is not expected to disrupt APC protein function with a negative predictive value of 95%. In summary, the available evidence is currently insufficient to determine the role of this variant in disease. Therefore, it has been classified as a Variant of Uncertain Significance.

Ambry Genetics
Classification: Uncertain significance for Hereditary cancer-predisposing syndrome. Last evaluated: 2025-06-28. Review status: criteria provided, single submitter. Criteria: Ambry Variant Classification Scheme 2023. Collection method: clinical testing. Allele origin: germline.
Comment: The p.A2523G variant (also known as c.7568C>G), located in coding exon 15 of the APC gene, results from a C to G substitution at nucleotide position 7568. The alanine at codon 2523 is replaced by glycine, an amino acid with similar properties. This amino acid position is poorly conserved in available vertebrate species. In addition, in silico predictors for this gene do not accurately predict pathogenicity. Since supporting evidence is limited at this time, the clinical significance of this alteration remains unclear.

Women's Health and Genetics/Laboratory Corporation of America, LabCorp
Classification: Uncertain significance. Last evaluated: 2024-11-06. Review status: criteria provided, single submitter. Criteria: LabCorp Variant Classification Summary - May 2015. Collection method: clinical testing. Allele origin: germline.

GeneDx
Classification: Uncertain significance. Last evaluated: 2019-11-07. Review status: criteria provided, single submitter. Criteria: GeneDx Variant Classification Process June 2021. Collection method: clinical testing. Allele origin: germline. Affected: yes.
Comment: Not observed in large population cohorts (Lek 2016); In silico analysis, which includes protein predictors and evolutionary conservation, supports that this variant does not alter protein structure/function; Has not been previously published as pathogenic or benign to our knowledge